The following is an entry in ClinVar:

NM_001370298.3(FGD4):c.165A>G (p.Thr55=)

Gene: FGD4 (FYVE, RhoGEF and PH domain containing 4; plus strand). Cytogenetic location: 12p11.21.
Variant type: single nucleotide variant.
Coding change: c.165A>G on transcript NM_001370298.3 (MANE Select); coding-DNA position 165, A replaced by G.
Protein change: p.Thr55=; no amino-acid change (threonine 55 retained).
Molecular consequence: synonymous variant. On other transcripts: genic upstream transcript variant (1).
Genome position (GRCh38, 1-based): chr12:32,399,958, A>G. VCF-style: chr12-32399958-A-G. GRCh37 (hg19) VCF-style: chr12-32552892-A-G.
Other names: c.165A>G, p.Thr55= (NM_001384126.1); c.-102626A>G (NM_139241.3).
Identifiers: ClinVar variation 3902426 (VCV003902426.1).
Genomic context (GRCh38, chr12:32,399,958, plus strand): 5'-GTCGCACCTGGGACGTGTAGGGACCGCTGCCTTCAAGGGCCAGGTGCCCTCAGGAGCCAC[A>G]GGTAAGCGCCTCGGGGCGCGGGGGAAGGGTGGCCCCGGCGCGTAGGTGCGGGTGAGGGGC-3'
Protein context (NP_001357227.2, residues 45-65): AFKGQVPSGA[Thr55=]GSSTCPKIAL

ClinVar aggregate classification (germline): Uncertain significance (1 of 4 stars; one submission).

gnomAD v4.1: 363 of 1,467,814 alleles (0.025%); highest among the groups gnomAD compares: Non-Finnish European, 0.03%; no homozygotes.

Submission:

Women's Health and Genetics/Laboratory Corporation of America, LabCorp
Classification: Uncertain significance. Last evaluated: 2025-05-07. Review status: criteria provided, single submitter. Criteria: LabCorp Variant Classification Summary - May 2015. Collection method: clinical testing. Allele origin: germline.
Comment: Variant summary: FGD4 c.-102626A>G is located in the untranscribed region upstream of the FGD4 gene region. The frequency of this variant in the general population could not be determined as the technology used for large population databases (ExAC, gnomAD, ESP, 1000G) cannot detect variants of this type. The available data on variant occurrences in the general population are insufficient to allow any conclusion about variant significance. To our knowledge, no occurrence of c.-102626A>G in individuals affected with Charcot-Marie-Tooth disease type 4H and no experimental evidence demonstrating its impact on protein function have been reported. No submitters have cited clinical-significance assessments for this variant to ClinVar. Based on the evidence outlined above, the variant was classified as uncertain significance.